The following is an entry in ClinVar:

NM_173598.6(KSR2):c.2676C>T (p.Pro892=)

Gene: KSR2 (kinase suppressor of ras 2; minus strand). Cytogenetic location: 12q24.22.
Variant type: single nucleotide variant.
Coding change: c.2676C>T on transcript NM_173598.6 (MANE Select); coding-DNA position 2676, C replaced by T.
Protein change: p.Pro892=; no amino-acid change (proline 892 retained).
Molecular consequence: synonymous variant.
Genome position (GRCh38, 1-based): chr12:117,471,227, G>A on the plus strand (C>T on the coding strand, the complement: KSR2 is on the minus strand). VCF-style: chr12-117471227-G-A. GRCh37 (hg19) VCF-style: chr12-117909032-G-A.
Identifiers: ClinVar variation 3050227 (VCV003050227.3), dbSNP rs183400641, ClinGen allele CA6815659.

ClinVar aggregate classification (germline): Likely benign. Review status: criteria provided, single submitter (1 of 4 stars). 2 submissions from 2 submitters: Likely benign (1). 1 of the submissions does not count toward it. Last evaluated 2025-11-13.

Conditions:
KSR2-related disorder. Also called: KSR2-related condition.

Allele frequency attached by ClinVar (database versions not stated): gnomAD 0.00010; TOPMed 0.00012; gnomAD exomes 0.00015; ExAC 0.00018; 1000 Genomes Project 30x 0.00078; 1000 Genomes Project 0.00080.
gnomAD v4.1: 252 of 1,613,950 alleles (0.016%); highest among the groups gnomAD compares: Middle Eastern, 0.97%; 1 homozygote.

Submissions (2):

Labcorp Genetics (formerly Invitae), Labcorp
Classification: Likely benign. Last evaluated: 2025-11-13. Review status: criteria provided, single submitter. Criteria: Invitae Variant Classification Sherloc (09022015). Collection method: clinical testing. Allele origin: germline.

PreventionGenetics, part of Exact Sciences
Classification: Likely benign for KSR2-related condition. Last evaluated: 2024-01-18. Review status: no assertion criteria provided. Collection method: clinical testing. Allele origin: germline. Not counted in ClinVar's aggregate classification.
Comment: This variant is classified as likely benign based on ACMG/AMP sequence variant interpretation guidelines (Richards et al. 2015 PMID: 25741868, with internal and published modifications).